The following is an entry in ClinVar:

NM_000179.3(MSH6):c.919A>G (p.Asn307Asp)

Gene: MSH6 (mutS homolog 6; plus strand). Cytogenetic location: 2p16.3.
Variant type: single nucleotide variant.
Coding change: c.919A>G on transcript NM_000179.3 (MANE Select); coding-DNA position 919, A replaced by G.
Protein change: p.Asn307Asp; replaces asparagine 307 with aspartic acid.
Molecular consequence: missense variant.
Genome position (GRCh38, 1-based): chr2:47,798,902, A>G. VCF-style: chr2-47798902-A-G. GRCh37 (hg19) VCF-style: chr2-48026041-A-G.
Other names: c.529A>G, p.Asn177Asp (NM_001281492.2); c.13A>G, p.Asn5Asp (NM_001281493.2, NM_001281494.2); short protein forms N177D, N307D, N5D.
Identifiers: ClinVar variation 842691 (VCV000842691.11), dbSNP rs1669270601, ClinGen allele CA346740736.

ClinVar aggregate classification (germline): Uncertain significance. Review status: criteria provided, multiple submitters, no conflicts (2 of 4 stars). 2 submissions from 2 submitters: Uncertain significance (2). Last evaluated 2024-10-08.

Conditions:
Hereditary nonpolyposis colorectal neoplasms. Identifiers: MedGen C0009405, MeSH D003123.

Submissions (2):

GeneDx
Classification: Uncertain significance. Last evaluated: 2024-10-08. Review status: criteria provided, single submitter. Criteria: GeneDx Variant Classification Process June 2021. Collection method: clinical testing. Allele origin: germline. Affected: yes.
Comment: Not observed at significant frequency in large population cohorts (gnomAD); In silico analysis indicates that this missense variant does not alter protein structure/function; Has not been previously published as pathogenic or benign to our knowledge; This variant is associated with the following publications: (PMID: 21437237)

Labcorp Genetics (formerly Invitae), Labcorp
Classification: Uncertain significance for Hereditary nonpolyposis colorectal neoplasms. Last evaluated: 2024-09-23. Review status: criteria provided, single submitter. Criteria: Invitae Variant Classification Sherloc (09022015). Collection method: clinical testing. Allele origin: germline.
Comment: This sequence change replaces asparagine, which is neutral and polar, with aspartic acid, which is acidic and polar, at codon 307 of the MSH6 protein (p.Asn307Asp). This variant is not present in population databases (gnomAD no frequency). This variant has not been reported in the literature in individuals affected with MSH6-related conditions. ClinVar contains an entry for this variant (Variation ID: 842691). Invitae Evidence Modeling of protein sequence and biophysical properties (such as structural, functional, and spatial information, amino acid conservation, physicochemical variation, residue mobility, and thermodynamic stability) indicates that this missense variant is not expected to disrupt MSH6 protein function with a negative predictive value of 95%. In summary, the available evidence is currently insufficient to determine the role of this variant in disease. Therefore, it has been classified as a Variant of Uncertain Significance.